The following is an entry in ClinVar:

NM_001868.4(CPA1):c.793G>A (p.Gly265Arg)

Gene: CPA1 (carboxypeptidase A1; plus strand). Cytogenetic location: 7q32.2.
Variant type: single nucleotide variant.
Coding change: c.793G>A on transcript NM_001868.4 (MANE Select); coding-DNA position 793, G replaced by A.
Protein change: p.Gly265Arg; replaces glycine 265 with arginine.
Molecular consequence: missense variant.
Genome position (GRCh38, 1-based): chr7:130,385,151, G>A. VCF-style: chr7-130385151-G-A. GRCh37 (hg19) VCF-style: chr7-130024992-G-A.
Other names: short protein forms G265R.
Identifiers: ClinVar variation 1350485 (VCV001350485.11), dbSNP rs782588903, ClinGen allele CA4484964.

ClinVar aggregate classification (germline): Uncertain significance. Review status: criteria provided, multiple submitters, no conflicts (2 of 4 stars). 2 submissions from 2 submitters: Uncertain significance (2). Last evaluated 2025-10-27.

Conditions:
Hereditary pancreatitis (PCTT). Also called: Hereditary chronic pancreatitis; PRSS1-Related Hereditary Pancreatitis. Identifiers: Orphanet 676, MedGen C0238339, MONDO:0008185, OMIM 167800.

Allele frequency attached by ClinVar (database versions not stated): TOPMed below 0.00001; gnomAD 0.00001; ExAC 0.00002; gnomAD exomes 0.00002.
gnomAD v4.1: 25 of 1,613,996 alleles (0.0015%); highest among the groups gnomAD compares: South Asian, 0.0044%; no homozygotes.

Submissions (2):

Ambry Genetics
Classification: Uncertain significance for Hereditary pancreatitis. Last evaluated: 2025-10-27. Review status: criteria provided, single submitter. Criteria: Ambry Variant Classification Scheme 2023. Collection method: clinical testing. Allele origin: germline.
Comment: The p.G265R variant (also known as c.793G>A), located in coding exon 8 of the CPA1 gene, results from a G to A substitution at nucleotide position 793. The glycine at codon 265 is replaced by arginine, an amino acid with dissimilar properties. This amino acid position is conserved. In addition, this alteration is predicted to be deleterious by in silico analysis. Since supporting evidence is limited at this time, the clinical significance of this alteration remains unclear.

Labcorp Genetics (formerly Invitae), Labcorp
Classification: Uncertain significance. Last evaluated: 2025-05-14. Review status: criteria provided, single submitter. Criteria: Invitae Variant Classification Sherloc (09022015). Collection method: clinical testing. Allele origin: germline.
Comment: This sequence change replaces glycine, which is neutral and non-polar, with arginine, which is basic and polar, at codon 265 of the CPA1 protein (p.Gly265Arg). This variant is present in population databases (rs782588903, gnomAD 0.007%). This variant has not been reported in the literature in individuals affected with CPA1-related conditions. ClinVar contains an entry for this variant (Variation ID: 1350485). Invitae Evidence Modeling of protein sequence and biophysical properties (such as structural, functional, and spatial information, amino acid conservation, physicochemical variation, residue mobility, and thermodynamic stability) indicates that this missense variant is expected to disrupt CPA1 protein function with a positive predictive value of 80%. In summary, the available evidence is currently insufficient to determine the role of this variant in disease. Therefore, it has been classified as a Variant of Uncertain Significance.